The following is an entry in ClinVar:

NM_002241.5(KCNJ10):c.541T>C (p.Phe181Leu)

Gene: KCNJ10 (potassium inwardly rectifying channel subfamily J member 10; minus strand). Cytogenetic location: 1q23.2.
Variant type: single nucleotide variant.
Coding change: c.541T>C on transcript NM_002241.5 (MANE Select); coding-DNA position 541, T replaced by C.
Protein change: p.Phe181Leu; replaces phenylalanine 181 with leucine.
Molecular consequence: missense variant.
Genome position (GRCh38, 1-based): chr1:160,041,992, A>G on the plus strand (T>C on the coding strand, the complement: KCNJ10 is on the minus strand). VCF-style: chr1-160041992-A-G. GRCh37 (hg19) VCF-style: chr1-160011782-A-G.
Other names: short protein forms F181L.
Identifiers: ClinVar variation 1041315 (VCV001041315.15), dbSNP rs374746230, ClinGen allele CA1193235.

ClinVar aggregate classification (germline): Uncertain significance. Review status: criteria provided, multiple submitters, no conflicts (2 of 4 stars). 3 submissions from 3 submitters: Uncertain significance (3). Last evaluated 2024-12-23.

Conditions:
Inborn genetic diseases. Identifiers: MedGen C0950123, MeSH D030342.
EAST syndrome (SESAMES). Also called: SEIZURES, SENSORINEURAL DEAFNESS, ATAXIA, IMPAIRED INTELLECTUAL DEVELOPMENT, AND ELECTROLYTE IMBALANCE. Identifiers: Orphanet 199343, MedGen C2748572, MONDO:0013005, OMIM 612780.
Autosomal recessive nonsyndromic hearing loss 4 (DFNB4). Also called: Enlarged vestibular aqueduct, digenic; NEUROSENSORY NONSYNDROMIC RECESSIVE DEAFNESS 4; Deafness, autosomal recessive 4; DEAFNESS, AUTOSOMAL RECESSIVE 4, WITH ENLARGED VESTIBULAR AQUEDUCT, DIGENIC; FOXI1-Related Pendred Syndrome; KCNJ10-Related Pendred Syndrome. Identifiers: Orphanet 90636, MedGen C3538946, MONDO:0010933, OMIM 600791.
Pendred syndrome (PDS). Also called: Pendred Syndrome (PDS); GOITER-DEAFNESS SYNDROME; HYPOTHYROIDISM, CONGENITAL, DUE TO DYSHORMONOGENESIS, 2B; Pendred's syndrome; THYROID DYSHORMONOGENESIS 2B; THYROID HORMONOGENESIS, GENETIC DEFECT IN, 2B. Identifiers: Orphanet 705, MedGen C0271829, MONDO:0010134, OMIM 274600.

Allele frequency attached by ClinVar (database versions not stated): TOPMed below 0.00001; gnomAD exomes 0.00001; ExAC 0.00002; gnomAD 0.00002; ESP Exome Variant Server 0.00008.
gnomAD v4.1: 17 of 1,589,556 alleles (0.0011%); highest among the groups gnomAD compares: Non-Finnish European, 0.0015%; no homozygotes.

Submissions (3):

Labcorp Genetics (formerly Invitae), Labcorp
Classification: Uncertain significance for EAST syndrome. Last evaluated: 2024-12-23. Review status: criteria provided, single submitter. Criteria: Invitae Variant Classification Sherloc (09022015). Collection method: clinical testing. Allele origin: germline.
Comment: This sequence change replaces phenylalanine, which is neutral and non-polar, with leucine, which is neutral and non-polar, at codon 181 of the KCNJ10 protein (p.Phe181Leu). This variant is present in population databases (rs374746230, gnomAD 0.003%). This variant has not been reported in the literature in individuals affected with KCNJ10-related conditions. ClinVar contains an entry for this variant (Variation ID: 1041315). Invitae Evidence Modeling of protein sequence and biophysical properties (such as structural, functional, and spatial information, amino acid conservation, physicochemical variation, residue mobility, and thermodynamic stability) indicates that this missense variant is expected to disrupt KCNJ10 protein function with a positive predictive value of 95%. In summary, the available evidence is currently insufficient to determine the role of this variant in disease. Therefore, it has been classified as a Variant of Uncertain Significance.

Ambry Genetics
Classification: Uncertain significance for Inborn genetic diseases. Last evaluated: 2023-04-07. Review status: criteria provided, single submitter. Criteria: Ambry Variant Classification Scheme 2023. Collection method: clinical testing. Allele origin: germline.

Fulgent Genetics
Classification: Uncertain significance for Pendred syndrome; Autosomal recessive nonsyndromic hearing loss 4; EAST syndrome. Last evaluated: 2022-03-23. Review status: criteria provided, single submitter. Criteria: ACMG Guidelines, 2015. Collection method: clinical testing. Allele origin: unknown.